The following is an entry in ClinVar:

ClinVar aggregate classification (germline): Pathogenic. Review status: criteria provided, multiple submitters, no conflicts (2 of 4 stars). 4 submissions from 4 submitters: Pathogenic (3). 1 of the submissions does not count toward it. Last evaluated 2025-12-23.

Conditions:
Multiple sulfatase deficiency (MSD). Also called: Multiple Sulfatase Deficiency Disease; Mucosulfatidosis; Sulfatidosis, Juvenile, Austin Type. Identifiers: Orphanet 585, MedGen C0268263, MONDO:0010088, OMIM 272200.

Submissions (4):

Natera, Inc.
Classification: Pathogenic for Multiple sulfatase deficiency. Last evaluated: 2025-12-23. Review status: criteria provided, single submitter. Criteria: Natera Variant Classification Schema (03/2026). Collection method: clinical testing. Allele origin: germline.
Comment: The c.519+5_519+8delGTAA variant in SUMF1 is a frameshift variant predicted to shift the reading frame and introduce a stop codon. This variant is rare in the general population with a frequency below the threshold expected for the associated phenotype(s). This variant has been observed in one or more individuals affected with the associated recessive disease, as either homozygous or compound heterozygous with a second variant (PMID: 12757706, 28566233, 32749716). Functional studies show that this variant may disrupt protein function (PMID: 12757706, 21224894). Computational prediction algorithms indicate this variant is likely to affect gene or protein function. Given the available evidence, this variant is classified as Pathogenic.

Labcorp Genetics (formerly Invitae), Labcorp
Classification: Pathogenic for Multiple sulfatase deficiency. Last evaluated: 2025-03-17. Review status: criteria provided, single submitter. Criteria: Invitae Variant Classification Sherloc (09022015). Collection method: clinical testing. Allele origin: germline.
Comment: This sequence change falls in intron 3 of the SUMF1 gene. It does not directly change the encoded amino acid sequence of the SUMF1 protein. RNA analysis indicates that this variant induces altered splicing and likely results in a shortened protein product. This variant is present in population databases (rs775324176, gnomAD 0.0009%). This variant has been observed in individual(s) with multiple sulfatase deficiency (PMID: 12757706, 21224894, 28566233). This variant is also known as c.519+4delGTAA, c.IVS3+5-8del, or p.A149_A173del. ClinVar contains an entry for this variant (Variation ID: 2663). Algorithms developed to predict the effect of variants on gene product structure and function are not available or were not evaluated for this variant. Experimental studies have shown that this variant affects SUMF1 function (PMID: 12757706, 21224894). Variants that disrupt the consensus splice site are a relatively common cause of aberrant splicing (PMID: 17576681, 9536098). Studies have shown that this variant results in skipping of exon 3, but is expected to preserve the integrity of the reading-frame (PMID: 12757706). For these reasons, this variant has been classified as Pathogenic.

Victorian Clinical Genetics Services, Murdoch Childrens Research Institute
Classification: Pathogenic for Multiple sulfatase deficiency. Last evaluated: 2024-12-19. Review status: criteria provided, single submitter. Criteria: ACMG Guidelines, 2015. Collection method: clinical testing. Allele origin: germline. Affected: yes.
Comment: This variant is classified as Pathogenic. Evidence in support of pathogenic classification: Splice site variant proven to affect splicing of the transcript with a known effect on protein sequence. RNA studies suggest this variant results in exon 3 skipping, which would result in an in-frame deletion of 25 amino acids (p.Ala149_Ala173del) (PMID: 12757706; 12757705); Variant is present in gnomAD <0.01 for a recessive condition (v4: 10 heterozygotes, 0 homozygotes); This variant has previous evidence of pathogenicity in unrelated individuals. This variant has been classified as pathogenic by a clinical laboratory in ClinVar, and reported as compound heterozygous in at least three individuals with neonatal-onset multiple sulfatase deficiency (PMID: 12757705; 12757706; 21224894; 28566233); This variant has strong functional evidence supporting abnormal protein function. Transfection of cDNA containing this variant into patient fibroblasts did not restore sulfatase activities, compared to wild type transfection which partially rescued activity (PMID: 12757705). This variant has also been shown to have low residual enzyme activity and reduced protein stability (PMID: 21224894). Additional information: This variant is homozygous in isodisomic cells; This gene is associated with autosomal recessive disease; Loss of function is a known mechanism of disease in this gene and is associated with multiple sulfatase deficiency (MIM#272200); Variants in this gene are known to have variable expressivity, which correlates with variant type and residual enzymatic activity levels (PMID: 19124046).

OMIM
Classification: Pathogenic for MULTIPLE SULFATASE DEFICIENCY. Last evaluated: 2011-03-01. Review status: no assertion criteria provided. Collection method: literature only. Allele origin: germline. Not counted in ClinVar's aggregate classification.

Literature cited by the submitters: PubMed 12757706 (cited by 4 submitters); PubMed 28566233 (cited by Natera, Inc. and Labcorp Genetics (formerly Invitae), Labcorp); PubMed 32749716 (cited by Natera, Inc.); PubMed 21224894 (cited by 4 submitters); PubMed 17576681 (cited by Labcorp Genetics (formerly Invitae), Labcorp); PubMed 9536098 (cited by Labcorp Genetics (formerly Invitae), Labcorp); PubMed 19124046 (cited by Victorian Clinical Genetics Services, Murdoch Childrens Research Institute); PubMed 12757705 (cited by Victorian Clinical Genetics Services, Murdoch Childrens Research Institute and OMIM).

NM_182760.4(SUMF1):c.519+5_519+8del

Gene: SUMF1 (sulfatase modifying factor 1; minus strand). Cytogenetic location: 3p26.1.
Variant type: Microsatellite.
Coding change: c.519+5_519+8del on transcript NM_182760.4 (MANE Select); bases 5 to 8 of the intron after coding-DNA position 519, 4 bases deleted (GTAA; older notation c.519+5_519+8delGTAA).
Molecular consequence: splice donor variant. On other transcripts: intron variant (1).
Genome position (GRCh38, 1-based): chr3:4,449,258-4,449,261, TTAC deleted on the plus strand (GTAA on the coding strand, the reverse complement: SUMF1 is on the minus strand); deleting any 4 consecutive bases within chr3:4,449,258-4,449,266 gives the same sequence; the c. name uses the placement nearest the transcript's 3' end. VCF-style (leftmost placement, unchanged base first): chr3-4449257-ATTAC-A. GRCh37 (hg19) VCF-style: chr3-4490941-ATTAC-A.
Other names: c.519+5_519+8delGTAA (NM_182760.3); c.444+3615_444+3618del (NM_001164674.2); c.519+5_519+8del (NM_001164675.2).
Identifiers: ClinVar variation 2663 (VCV000002663.8), dbSNP rs775324176, ClinGen allele CA212799.